The following is an entry in ClinVar:

ClinVar aggregate classification (germline): Pathogenic (1 of 4 stars; one submission).

Submission:

Labcorp Genetics (formerly Invitae), Labcorp
Classification: Pathogenic. Last evaluated: 2021-12-24. Review status: criteria provided, single submitter. Criteria: Invitae Variant Classification Sherloc (09022015). Collection method: clinical testing. Allele origin: germline.
Comment: For these reasons, this variant has been classified as Pathogenic. This variant has not been reported in the literature in individuals affected with COL2A1-related conditions. This variant is not present in population databases (gnomAD no frequency). This sequence change creates a premature translational stop signal (p.Gly951Trpfs*12) in the COL2A1 gene. It is expected to result in an absent or disrupted protein product. Loss-of-function variants in COL2A1 are known to be pathogenic (PMID: 20179744).

Literature cited by the submitters: PubMed 20179744.

NM_001844.5(COL2A1):c.2850dup (p.Gly951fs)

Gene: COL2A1 (collagen type II alpha 1 chain; minus strand). Cytogenetic location: 12q13.11.
Variant type: Duplication.
Coding change: c.2850dup on transcript NM_001844.5 (MANE Select); coding-DNA position 2850, one base duplicated (T; older notation c.2850dupT).
Protein change: p.Gly951fs; shifts the reading frame from glycine 951.
Molecular consequence: frameshift variant.
Genome position (GRCh38, 1-based): chr12:47,978,642, A duplicated on the plus strand (T on the coding strand, the reverse complement: COL2A1 is on the minus strand). VCF-style (leftmost placement, unchanged base first): chr12-47978641-C-CA. GRCh37 (hg19) VCF-style: chr12-48372424-C-CA.
Other names: c.2643dup, p.Gly882fs (NM_033150.3); short protein forms G951fs, G882fs.
Identifiers: ClinVar variation 2059170 (VCV002059170.4), dbSNP rs2540113253, ClinGen allele CA2580085529.
Genomic context (GRCh38, chr12:47,978,641, plus strand): 5'-CTGGTGAGGGACTTACAGAGGGACCGTCATCTCCAGGCTCTCCCTTCTCGCCAGGGGGTC[C>CA]AGCAGGACCTTGGAGGCCGGGTTCACCAGCTCGGCCAGGGGGGCCGCTGTCTCCTCGAGC-3'